The following is an entry in ClinVar:

NM_004186.5(SEMA3F):c.1684C>T (p.Arg562Trp)

Gene: SEMA3F (semaphorin 3F; plus strand). Cytogenetic location: 3p21.31.
Variant type: single nucleotide variant.
Coding change: c.1684C>T on transcript NM_004186.5 (MANE Select); coding-DNA position 1684, C replaced by T.
Protein change: p.Arg562Trp; replaces arginine 562 with tryptophan.
Molecular consequence: missense variant.
Genome position (GRCh38, 1-based): chr3:50,185,985, C>T. VCF-style: chr3-50185985-C-T. GRCh37 (hg19) VCF-style: chr3-50223418-C-T.
Other names: c.1387C>T, p.Arg463Trp (NM_001318798.2); c.1591C>T, p.Arg531Trp (NM_001318800.2); short protein forms R531W, R463W, R562W.
Identifiers: ClinVar variation 4994060 (VCV004994060.1).

ClinVar aggregate classification (germline): Uncertain significance (1 of 4 stars; one submission).

Conditions:
SEMA3F-related disorder. Also called: SEMA3F-related condition.

gnomAD v4.1: 1 of 1,614,090 alleles (0.000062%); highest among the groups gnomAD compares: Non-Finnish European, 0.000085%; no homozygotes.

Submission:

PreventionGenetics, part of Exact Sciences
Classification: Uncertain significance for SEMA3F-related condition. Last evaluated: 2026-06-03. Review status: criteria provided, single submitter. Criteria: ACMG Guidelines, 2015. Collection method: clinical testing. Allele origin: germline.
Comment: The SEMA3F c.1684C>T variant is predicted to result in the amino acid substitution p.Arg562Trp. To our knowledge, this variant has not been reported in the literature or in a large population database (gnomAD), indicating this variant is rare. At this time, the clinical significance of this variant is uncertain due to the absence of conclusive functional and genetic evidence.